The following is an entry in ClinVar:

ClinVar aggregate classification (germline): Conflicting classifications of pathogenicity. Review status: criteria provided, conflicting classifications (1 of 4 stars). 2 submissions from 2 submitters: Uncertain significance (1); Likely benign (1). Last evaluated 2025-08-21.

Conditions:
Inborn genetic diseases. Identifiers: MedGen C0950123, MeSH D030342.

Allele frequency attached by ClinVar (database versions not stated): gnomAD exomes below 0.00001; gnomAD 0.00001; ExAC 0.00002; TOPMed 0.00003.
gnomAD v4.1: 8 of 1,613,734 alleles (0.0005%); highest among the groups gnomAD compares: East Asian, 0.018%; no homozygotes.

Submissions (2):

Labcorp Genetics (formerly Invitae), Labcorp
Classification: Uncertain significance. Last evaluated: 2025-08-21. Review status: criteria provided, single submitter. Criteria: Invitae Variant Classification Sherloc (09022015). Collection method: clinical testing. Allele origin: germline.
Comment: This sequence change replaces lysine, which is basic and polar, with asparagine, which is neutral and polar, at codon 2505 of the ANK3 protein (p.Lys2505Asn). This variant is present in population databases (rs773013509, gnomAD 0.03%). This variant has not been reported in the literature in individuals affected with ANK3-related conditions. ClinVar contains an entry for this variant (Variation ID: 2490042). Invitae Evidence Modeling of protein sequence and biophysical properties (such as structural, functional, and spatial information, amino acid conservation, physicochemical variation, residue mobility, and thermodynamic stability) indicates that this missense variant is not expected to disrupt ANK3 protein function with a negative predictive value of 80%. In summary, the available evidence is currently insufficient to determine the role of this variant in disease. Therefore, it has been classified as a Variant of Uncertain Significance.

Ambry Genetics
Classification: Likely benign for Inborn genetic diseases. Last evaluated: 2023-02-27. Review status: criteria provided, single submitter. Criteria: Ambry Variant Classification Scheme 2023. Collection method: clinical testing. Allele origin: germline.

NM_020987.5(ANK3):c.7515A>T (p.Lys2505Asn)

Gene: ANK3 (ankyrin 3; minus strand). Cytogenetic location: 10q21.2.
Variant type: single nucleotide variant.
Coding change: c.7515A>T on transcript NM_020987.5 (MANE Select); coding-DNA position 7515, A replaced by T.
Protein change: p.Lys2505Asn; replaces lysine 2505 with asparagine.
Molecular consequence: missense variant. On other transcripts: intron variant (4).
Genome position (GRCh38, 1-based): chr10:60,073,366, T>A on the plus strand (A>T on the coding strand, the complement: ANK3 is on the minus strand). VCF-style: chr10-60073366-T-A. GRCh37 (hg19) VCF-style: chr10-61833124-T-A.
Other names: c.4388-5357A>T (NM_001204403.2); c.4409-5357A>T (NM_001204404.2); c.4406-5357A>T (NM_001320874.2); c.1808-5357A>T (NM_001149.4); short protein forms K2505N.
Identifiers: ClinVar variation 2490042 (VCV002490042.3), dbSNP rs773013509, ClinGen allele CA5511693.